The following is an entry in ClinVar:

ClinVar aggregate classification (germline): Conflicting classifications of pathogenicity. Review status: criteria provided, conflicting classifications (1 of 4 stars). 3 submissions from 3 submitters: Uncertain significance (1); Likely benign (2). Last evaluated 2026-04-01.

Conditions:
Osteogenesis imperfecta type I (OI1). Also called: Lobstein disease; Classic Non-deforming Osteogenesis Imperfecta with Blue Sclerae; Lobstein's Disease; OSTEOGENESIS IMPERFECTA TARDA; OSTEOGENESIS IMPERFECTA WITH BLUE SCLERAE; Osteogenesis imperfecta type 1. Identifiers: Orphanet 216796, Orphanet 666, MedGen C0023931, MONDO:0008146, OMIM 166200. Disease mechanism: loss of function.

Allele frequency attached by ClinVar (database versions not stated): gnomAD 0.00001; gnomAD exomes 0.00001; ExAC 0.00002; TOPMed 0.00002.
gnomAD v4.1: 38 of 1,613,060 alleles (0.0024%); highest among the groups gnomAD compares: Middle Eastern, 0.016%; no homozygotes.

Submissions (3):

CeGaT Center for Human Genetics Tuebingen
Classification: Likely benign. Last evaluated: 2026-04-01. Review status: criteria provided, single submitter. Criteria: CeGaT Center For Human Genetics Tuebingen Variant Classification Criteria Version 2. Collection method: clinical testing. Allele origin: germline. Affected: yes. Observed: 2 variant alleles.
Comment: COL1A1: BP4

Labcorp Genetics (formerly Invitae), Labcorp
Classification: Likely benign for Osteogenesis imperfecta type I. Last evaluated: 2025-09-14. Review status: criteria provided, single submitter. Criteria: Invitae Variant Classification Sherloc (09022015). Collection method: clinical testing. Allele origin: germline.

Revvity Omics, Revvity
Classification: Uncertain significance. Last evaluated: 2024-06-21. Review status: criteria provided, single submitter. Criteria: ACMG Guidelines, 2015. Collection method: clinical testing. Allele origin: germline.

NM_000088.4(COL1A1):c.3100-5G>A

Gene: COL1A1 (collagen type I alpha 1 chain; minus strand). Cytogenetic location: 17q21.33.
Variant type: single nucleotide variant.
Coding change: c.3100-5G>A on transcript NM_000088.4 (MANE Select); 5 bases into the intron before coding-DNA position 3100, G replaced by A.
Molecular consequence: intron variant.
Genome position (GRCh38, 1-based): chr17:50,188,642, C>T on the plus strand (G>A on the coding strand, the complement: COL1A1 is on the minus strand). VCF-style: chr17-50188642-C-T. GRCh37 (hg19) VCF-style: chr17-48266003-C-T.
Identifiers: ClinVar variation 706168 (VCV000706168.40), dbSNP rs751822769, ClinGen allele CA8644561.